The following is an entry in ClinVar:

NM_001365276.2(TNXB):c.11654C>T (p.Pro3885Leu)

Genes: TNXB (tenascin XB; minus strand), LOC106780803 (tenascin XB recombination region; plus strand). Cytogenetic location: 6p21.33.
Variant type: single nucleotide variant.
Coding change: c.11654C>T on transcript NM_001365276.2 (MANE Select); coding-DNA position 11654, C replaced by T.
Protein change: p.Pro3885Leu; replaces proline 3885 with leucine.
Molecular consequence: missense variant.
Genome position (GRCh38, 1-based): chr6:32,043,315, G>A on the plus strand (C>T on the coding strand, the complement: TNXB is on the minus strand). VCF-style: chr6-32043315-G-A. GRCh37 (hg19) VCF-style: chr6-32011092-G-A.
Other names: p.Pro3883Leu; c.12395C>T, p.Pro4132Leu (NM_001428335.1); c.11648C>T, p.Pro3883Leu (NM_019105.8); c.941C>T, p.Pro314Leu (NM_032470.4); short protein forms P3883L, P3885L, P314L, P4132L.
Identifiers: ClinVar variation 4541119 (VCV004541119.1).

ClinVar aggregate classification (germline): Uncertain significance (1 of 4 stars; one submission).

Submission:

Mayo Clinic Laboratories, Mayo Clinic
Classification: Uncertain significance. Last evaluated: 2025-10-06. Review status: criteria provided, single submitter. Criteria: ACMG Guidelines, 2015. Collection method: clinical testing. Allele origin: germline. Observed: 1 variant allele.
Comment: PM2_supporting